The following is an entry in ClinVar:

ClinVar aggregate classification (germline): Likely pathogenic. Review status: criteria provided, single submitter (1 of 4 stars). 2 submissions from 1 submitter: Likely pathogenic (2). Last evaluated 2026-05-12.

Conditions:
Autosomal recessive Alport syndrome (ATS2). Also called: COL4A4 Alport Syndrome and Thin Basement Membrane Nephropathy; ALPORT SYNDROME 2, AUTOSOMAL RECESSIVE; COL4A3-Related Nephropathy; Alport syndrome type 2. Identifiers: Orphanet 63, Orphanet 88919, MedGen C4746745, MONDO:0008762, OMIM 203780.
Autosomal dominant Alport syndrome (ATS3A). Also called: Alport syndrome dominant type; Renal failure and sensorineural hearing loss; ALPORT SYNDROME 3A, AUTOSOMAL DOMINANT. Identifiers: Orphanet 63, Orphanet 88918, MedGen C5882663, MONDO:0007086, OMIM 104200.

Submissions (2):

Centre de Génétique Humaine, Institut de Pathologie Et de Génétique
Classification: Likely pathogenic for Autosomal recessive Alport syndrome. Last evaluated: 2026-05-12. Review status: criteria provided, single submitter. Criteria: ACMG Guidelines, 2015. Collection method: clinical testing. Allele origin: germline. Inheritance: Autosomal recessive inheritance. Affected: yes. Observed: 1 variant allele, 1 compound heterozygote. Segregation with disease not observed.
Comment: This missense variant involves a highly conserved glycine located in a ‘Gly-X-Y’ motif in collagenous region, which is characteristic of the pathogenic variants identified in the COL4A4 gene (PM1,PP2). This variant is rare: absent in gnomAD v4.1.0 database (PM2). Another missense variant affecting the same residue described as LP in ClinVar: c.3080G>T, p.(Gly1027Val), (PM5). In silico analysis supports that this missense variant has a deleterious effect (PP3)

Centre de Génétique Humaine, Institut de Pathologie Et de Génétique
Classification: Likely pathogenic for Autosomal dominant Alport syndrome. Last evaluated: 2026-05-12. Review status: criteria provided, single submitter. Criteria: ACMG Guidelines, 2015. Collection method: clinical testing. Allele origin: maternal, germline. Inheritance: Autosomal dominant inheritance. Affected: yes. Observed: 4 variant alleles, 4 heterozygotes. Clinical features observed: Microscopic hematuria (HP:0002907), Moderate albuminuria (HP:0012594), Hypertensive disorder (HP:0000822), Stage 2 chronic kidney disease (HP:0012624). Segregation with disease observed.
Comment: the same text as in the submission from Centre de Génétique Humaine, Institut de Pathologie Et de Génétique above.

NM_000092.5(COL4A4):c.3079G>A (p.Gly1027Arg)

Gene: COL4A4 (collagen type IV alpha 4 chain; minus strand). Cytogenetic location: 2q36.3.
Variant type: single nucleotide variant.
Coding change: c.3079G>A on transcript NM_000092.5 (MANE Select); coding-DNA position 3079, G replaced by A.
Protein change: p.Gly1027Arg; replaces glycine 1027 with arginine.
Molecular consequence: missense variant.
Genome position (GRCh38, 1-based): chr2:227,051,048, C>T on the plus strand (G>A on the coding strand, the complement: COL4A4 is on the minus strand). VCF-style: chr2-227051048-C-T. GRCh37 (hg19) VCF-style: chr2-227915764-C-T.
Other names: p.(Gly1027Arg); short protein forms G1027R.
Identifiers: ClinVar variation 4884697 (VCV004884697.1).
Genomic context (GRCh38, chr2:227,051,048, plus strand): 5'-GAAGTCCTGGAAAACCAATGAACCCTCTTAGACCAGTTGAGCCTGGAGGGCCTGGGGGTC[C>T]AGGAGGCCCTGGCTGACCTTTCTCACCAGGTTCCCCTCTGTGAAATCCAGGTGGTCCGTA-3'
Protein context (NP_000083.3, residues 1017-1037): PGEKGQPGPP[Gly1027Arg]PPGPPGSTGL